The following is an entry in ClinVar:

ClinVar aggregate classification (germline): Uncertain significance (1 of 4 stars; one submission).

Conditions:
Leigh syndrome (NULS). Also called: Leigh's necrotizing encephalopathy; Leigh's disease; Leigh Syndrome (mtDNA deletion); Leigh Disease; Subacute necrotizing encephalopathy; Necrotizing encephalopathy infantile subacute of Leigh. Identifiers: Orphanet 506, MedGen C2931891, MONDO:0009723, OMIM 256000.

Submission:

Wong Mito Lab, Molecular and Human Genetics, Baylor College of Medicine
Classification: Uncertain significance for Leigh syndrome. Last evaluated: 2019-10-17. Review status: criteria provided, single submitter. Criteria: Modified ACMG Guidelines (Unpublished). Collection method: clinical testing. Allele origin: germline.
Comment: The NC_012920.1:m.4105A>G (YP_003024026.1:p.Thr267Ala) variant in MTND1 gene is interpretated to be a Uncertain Significance variant based on the modified ACMG guidelines (unpublished). This variant meets the following evidence codes: no criteria

NC_012920.1(MT-ND1):m.4105A>G

Gene: MT-ND1 (mitochondrially encoded NADH dehydrogenase 1; plus strand).
Variant type: single nucleotide variant.
Genome position: chrM-4105-A-G.
Identifiers: ClinVar variation 692424 (VCV000692424.1), dbSNP rs1603219306, ClinGen allele CA414774194.